The following is an entry in ClinVar:

ClinVar aggregate classification (germline): Conflicting classifications of pathogenicity. Review status: criteria provided, conflicting classifications (1 of 4 stars). 3 submissions from 3 submitters: Likely pathogenic (2); Uncertain significance (1). Last evaluated 2025-10-10.

Conditions:
Renal tubular acidosis with progressive nerve deafness. Also called: Distal Renal Tubular Acidosis with Progressive Sensorineural Deafness; RENAL TUBULAR ACIDOSIS, AUTOSOMAL RECESSIVE, WITH PROGRESSIVE NERVE DEAFNESS; RTA WITH PROGRESSIVE NERVE DEAFNESS; renal tubular acidosis, distal, 2, with progressive sensorineural hearing loss. Identifiers: MedGen C0403554, MONDO:0009968, OMIM 267300.

Submissions (3):

Myriad Genetics, Inc.
Classification: Uncertain significance for Renal tubular acidosis with progressive nerve deafness. Last evaluated: 2025-10-10. Review status: criteria provided, single submitter. Criteria: Myriad Autosomal Dominant, Autosomal Recessive and X-Linked Classification Criteria (2023). Collection method: clinical testing. Allele origin: unknown.
Comment: NM_001692.3(ATP6V1B1):c.1249-3C>G is an intronic variant classified as a variant of uncertain significance in the context of distal renal tubular acidosis with deafness, ATP6V1B1-related. c.1249-3C>G has been observed in a case with relevant disease (PMID: 28233610). Relevant functional assessments of this variant are not available in the literature. c.1249-3C>G has been observed in referenced population frequency databases. In summary, there is insufficient evidence to classify NM_001692.3(ATP6V1B1):c.1249-3C>G as pathogenic or benign. Please note: this variant was assessed in the context of healthy population screening.

Fulgent Genetics
Classification: Likely pathogenic for Renal tubular acidosis with progressive nerve deafness. Last evaluated: 2024-01-05. Review status: criteria provided, single submitter. Criteria: ACMG Guidelines, 2015. Collection method: clinical testing. Allele origin: germline.

3billion
Classification: Likely pathogenic for Renal tubular acidosis with progressive nerve deafness. Last evaluated: 2023-07-12. Review status: criteria provided, single submitter. Criteria: ACMG Guidelines, 2015. Collection method: clinical testing. Allele origin: germline. Affected: yes.
Comment: The variant is observed at an extremely low frequency in the gnomAD v2.1.1 dataset (total allele frequency: <0.001%). Predicted Consequence/Location: Intron variant In silico tools predict the variant to alter splicing and produce an abnormal transcript (SpliceAI: 0.71). The variant has been reported to be in trans with a pathogenic variant as either compound heterozygous or homozygous in at least one similarly affected unrelated individual (PMID: 28233610).The variant has been reported to co-segregate with the disease in at least one similarly affected relative/individual in the same family or similarly affected unrelated family (PMID: 28233610).The variant has been reported to be associated with ATP6V1B1 related disorder (PMID: 28233610). Therefore, this variant is classified as Likely pathogenic according to the recommendation of ACMG/AMP guideline.

Literature cited by the submitters: PubMed 28233610 (cited by Myriad Genetics, Inc. and 3billion).

NM_001692.4(ATP6V1B1):c.1249-3C>G

Gene: ATP6V1B1 (ATPase H+ transporting V1 subunit B1; plus strand). Cytogenetic location: 2p13.3.
Variant type: single nucleotide variant.
Coding change: c.1249-3C>G on transcript NM_001692.4 (MANE Select); 3 bases into the intron before coding-DNA position 1249, C replaced by G.
Molecular consequence: intron variant.
Genome position (GRCh38, 1-based): chr2:70,964,733, C>G. VCF-style: chr2-70964733-C-G. GRCh37 (hg19) VCF-style: chr2-71191863-C-G.
Identifiers: ClinVar variation 3586896 (VCV003586896.3).